The following is an entry in ClinVar:

ClinVar aggregate classification (germline): Pathogenic (1 of 4 stars; one submission).

Conditions:
Hereditary cancer-predisposing syndrome. Also called: Neoplastic Syndromes, Hereditary; Tumor predisposition; Hereditary Cancer Syndrome; Hereditary neoplastic syndrome. Identifiers: Orphanet 140162, MedGen C0027672, MeSH D009386, MONDO:0015356.

Submission:

Ambry Genetics
Classification: Pathogenic for Hereditary cancer-predisposing syndrome. Last evaluated: 2017-10-25. Review status: criteria provided, single submitter. Criteria: Ambry Variant Classification Scheme 2023. Collection method: clinical testing. Allele origin: germline.
Comment: The c.1588dupG pathogenic mutation, located in coding exon 4 of the MSH6 gene, results from a duplication of G at nucleotide position 1588, causing a translational frameshift with a predicted alternate stop codon (p.D530Gfs*4). This alteration is expected to result in loss of function by premature protein truncation or nonsense-mediated mRNA decay. As such, this alteration is interpreted as a disease-causing mutation.

NM_000179.3(MSH6):c.1588dup (p.Asp530fs)

Gene: MSH6 (mutS homolog 6; plus strand). Cytogenetic location: 2p16.3.
Variant type: Duplication.
Coding change: c.1588dup on transcript NM_000179.3 (MANE Select); coding-DNA position 1588, one base duplicated (G; older notation c.1588dupG).
Protein change: p.Asp530fs; shifts the reading frame from aspartic acid 530.
Molecular consequence: frameshift variant.
Genome position (GRCh38, 1-based): chr2:47,799,571, G duplicated. VCF-style (leftmost placement, unchanged base first): chr2-47799570-T-TG. GRCh37 (hg19) VCF-style: chr2-48026709-T-TG.
Other names: c.1198dup, p.Asp400fs (NM_001281492.2); c.682dup, p.Asp228fs (NM_001281493.2, NM_001281494.2); c.1684dup, p.Asp562Glyfs (NM_001406795.1, NM_001406802.1); c.1588dup, p.Asp530Glyfs (NM_001406796.1, NM_001406798.1, NM_001406800.1 and 4 more transcripts); c.1291dup, p.Asp431Glyfs (NM_001406797.1, NM_001406801.1, NM_001406805.1 and 10 more transcripts); c.1063dup, p.Asp355Glyfs (NM_001406799.1, NM_001406806.1, NM_001406807.1); c.1510dup, p.Asp504Glyfs (NM_001406804.1); c.682dup, p.Asp228Glyfs (NM_001406811.1, NM_001406812.1, NM_001406814.1 and 4 more transcripts); and 3 more; short protein forms D228fs, D400fs, D530fs.
Identifiers: ClinVar variation 1775848 (VCV001775848.2), dbSNP rs2530618017, ClinGen allele CA2580067646.
Genomic context (GRCh38, chr2:47,799,570, plus strand): 5'-GAGGAGGGAGATCTGTAGGATCATTACCAAGGGTACACAGACTTACAGTGTGCTGGAAGG[T>TG]GATCCCTCTGAGAACTACAGTAAGTATCTTCTTAGCCTCAAAGAAAAAGAGGAAGATTCT-3'